The following is an entry in ClinVar:

NM_006206.6(PDGFRA):c.320C>T (p.Thr107Ile)

Gene: PDGFRA (platelet derived growth factor receptor alpha; plus strand). Cytogenetic location: 4q12.
Variant type: single nucleotide variant.
Coding change: c.320C>T on transcript NM_006206.6 (MANE Select); coding-DNA position 320, C replaced by T.
Protein change: p.Thr107Ile; replaces threonine 107 with isoleucine.
Molecular consequence: missense variant.
Genome position (GRCh38, 1-based): chr4:54,261,365, C>T. VCF-style: chr4-54261365-C-T. GRCh37 (hg19) VCF-style: chr4-55127532-C-T.
Other names: c.320C>T, p.Thr107Ile (NM_001347827.2, NM_001347829.2); c.395C>T, p.Thr132Ile (NM_001347828.2); c.359C>T, p.Thr120Ile (NM_001347830.2); short protein forms T107I, T120I, T132I.
Identifiers: ClinVar variation 951787 (VCV000951787.13), dbSNP rs1722705047, ClinGen allele CA356888938.

ClinVar aggregate classification (germline): Uncertain significance. Review status: criteria provided, multiple submitters, no conflicts (2 of 4 stars). 2 submissions from 2 submitters: Uncertain significance (2). Last evaluated 2025-01-08.

Conditions:
Gastrointestinal stromal tumor. Also called: Gastrointestinal stromal tumor, somatic; Gastrointestinal stroma tumor. Identifiers: Orphanet 44890, MedGen C0238198, MeSH D046152, MONDO:0011719, OMIM 606764, HP:0100723.
Hereditary cancer-predisposing syndrome. Also called: Hereditary neoplastic syndrome; Neoplastic Syndromes, Hereditary; Hereditary Cancer Syndrome; Tumor predisposition. Identifiers: Orphanet 140162, MedGen C0027672, MeSH D009386, MONDO:0015356.

Allele frequency attached by ClinVar (database versions not stated): gnomAD exomes below 0.00001; TOPMed below 0.00001.
gnomAD v4.1: 1 of 1,614,150 alleles (0.000062%); highest among the groups gnomAD compares: Non-Finnish European, 0.000085%; no homozygotes.

Submissions (2):

Labcorp Genetics (formerly Invitae), Labcorp
Classification: Uncertain significance for Gastrointestinal stromal tumor. Last evaluated: 2025-01-08. Review status: criteria provided, single submitter. Criteria: Invitae Variant Classification Sherloc (09022015). Collection method: clinical testing. Allele origin: germline.
Comment: This sequence change replaces threonine, which is neutral and polar, with isoleucine, which is neutral and non-polar, at codon 107 of the PDGFRA protein (p.Thr107Ile). This variant is not present in population databases (gnomAD no frequency). This variant has not been reported in the literature in individuals affected with PDGFRA-related conditions. ClinVar contains an entry for this variant (Variation ID: 951787). An algorithm developed to predict the effect of missense changes on protein structure and function (PolyPhen-2) suggests that this variant¬†is likely to be tolerated. In summary, the available evidence is currently insufficient to determine the role of this variant in disease. Therefore, it has been classified as a Variant of Uncertain Significance.

Ambry Genetics
Classification: Uncertain significance for Hereditary cancer-predisposing syndrome. Last evaluated: 2024-12-20. Review status: criteria provided, single submitter. Criteria: Ambry Variant Classification Scheme 2023. Collection method: clinical testing. Allele origin: germline.
Comment: The p.T107I variant (also known as c.320C>T), located in coding exon 2 of the PDGFRA gene, results from a C to T substitution at nucleotide position 320. The threonine at codon 107 is replaced by isoleucine, an amino acid with similar properties. This amino acid position is conserved. In addition, this alteration is predicted to be tolerated by in silico analysis. Since supporting evidence is limited at this time, the clinical significance of this alteration remains unclear.